The following is an entry in ClinVar:

NM_001103.4(ACTN2):c.2555G>A (p.Arg852Gln)

Gene: ACTN2 (actinin alpha 2; plus strand). Cytogenetic location: 1q43.
Variant type: single nucleotide variant.
Coding change: c.2555G>A on transcript NM_001103.4 (MANE Select); coding-DNA position 2555, G replaced by A.
Protein change: p.Arg852Gln; replaces arginine 852 with glutamine.
Molecular consequence: missense variant.
Genome position (GRCh38, 1-based): chr1:236,762,489, G>A. VCF-style: chr1-236762489-G-A. GRCh37 (hg19) VCF-style: chr1-236925789-G-A.
Other names: c.2555G>A, p.Arg852Gln (NM_001278343.2); c.1931G>A, p.Arg644Gln (NM_001278344.2); short protein forms R852Q, R644Q.
Identifiers: ClinVar variation 162745 (VCV000162745.22), dbSNP rs727502888, ClinGen allele CA175238.

ClinVar aggregate classification (germline): Conflicting classifications of pathogenicity. Review status: criteria provided, conflicting classifications (1 of 4 stars). 5 submissions from 5 submitters: Uncertain significance (3); Likely benign (2). Last evaluated 2026-01-28.

Conditions:
Intrinsic cardiomyopathy. Identifiers: MedGen CN305117, MONDO:0000591.
Cardiovascular phenotype. Identifiers: MedGen CN230736.
Dilated cardiomyopathy 1AA (CMD1AA). Also called: Cardiomyopathy, dilated, 1AA, with or without LVNC; CARDIOMYOPATHY, DILATED, 1AA, WITH OR WITHOUT LEFT VENTRICULAR NONCOMPACTION; CARDIOMYOPATHY, FAMILIAL HYPERTROPHIC, 23, WITH OR WITHOUT LEFT VENTRICULAR NONCOMPACTION. Identifiers: Orphanet 154, MedGen C2677338, MONDO:0012808, OMIM 612158.
Primary familial hypertrophic cardiomyopathy (HCM). Identifiers: Orphanet 99739, MedGen C0949658, MeSH D024741, MONDO:0024573. Inheritance: Various modes of inheritance.

Allele frequency attached by ClinVar (database versions not stated): gnomAD 0.00003; gnomAD exomes 0.00004 and 0.00008; TOPMed 0.00005; ExAC 0.00007.
gnomAD v4.1: 68 of 1,613,986 alleles (0.0042%); highest among the groups gnomAD compares: Middle Eastern, 0.016%; no homozygotes.

Submissions (5):

Labcorp Genetics (formerly Invitae), Labcorp
Classification: Likely benign for Primary familial hypertrophic cardiomyopathy; Dilated cardiomyopathy 1AA. Last evaluated: 2026-01-28. Review status: criteria provided, single submitter. Criteria: Invitae Variant Classification Sherloc (09022015). Collection method: clinical testing. Allele origin: germline.

GeneDx
Classification: Uncertain significance. Last evaluated: 2024-12-12. Review status: criteria provided, single submitter. Criteria: GeneDx Variant Classification Process June 2021. Collection method: clinical testing. Allele origin: germline. Affected: yes.
Comment: Reported in association with hypertrophic cardiomyopathy in one proband (PMID: 28640247); In silico analysis supports that this missense variant has a deleterious effect on protein structure/function; This variant is associated with the following publications: (PMID: 28640247)

Ambry Genetics
Classification: Likely benign for Cardiovascular phenotype. Last evaluated: 2023-10-23. Review status: criteria provided, single submitter. Criteria: Ambry Variant Classification Scheme 2023. Collection method: clinical testing. Allele origin: germline.

Department of Pathology and Laboratory Medicine, Sinai Health System
Classification: Uncertain significance for intrinsic cardiomyopathy. Last evaluated: 2023-01-30. Review status: criteria provided, single submitter. Criteria: ACMG Guidelines, 2015. Collection method: research. Allele origin: germline.

Laboratory for Molecular Medicine, Mass General Brigham Personalized Medicine
Classification: Uncertain significance. Last evaluated: 2014-08-21. Review status: criteria provided, single submitter. Criteria: LMM Criteria. Collection method: clinical testing. Allele origin: germline. Observed: 1 variant allele.
Comment: The Arg852Gln variant in ACTN2 has not been previously reported in individuals w ith cardiomyopathy or in large population studies. Computational prediction too ls and conservation analysis suggest that the Arg852Gln variant may impact the p rotein, though this information is not predictive enough to determine pathogenic ity. In summary, the clinical significance of the Arg852Gln variant is uncertain .

Literature cited by the submitters: PubMed 28640247 (cited by Ambry Genetics).